The following is an entry in ClinVar:

ClinVar aggregate classification (germline): Uncertain significance. Review status: criteria provided, single submitter (1 of 4 stars). 2 submissions from 2 submitters: Uncertain significance (1). 1 of the submissions does not count toward it. Last evaluated 2025-08-30.

Conditions:
KIF23-related disorder. Also called: KIF23-related condition.

Allele frequency attached by ClinVar (database versions not stated): gnomAD exomes 0.00002.
gnomAD v4.1: 26 of 1,576,014 alleles (0.0016%); highest among the groups gnomAD compares: Admixed American, 0.0041%; no homozygotes.

Submissions (2):

Labcorp Genetics (formerly Invitae), Labcorp
Classification: Uncertain significance. Last evaluated: 2025-08-30. Review status: criteria provided, single submitter. Criteria: Invitae Variant Classification Sherloc (09022015). Collection method: clinical testing. Allele origin: germline.
Comment: This sequence change replaces threonine, which is neutral and polar, with methionine, which is neutral and non-polar, at codon 20 of the KIF23 protein (p.Thr20Met). The frequency data for this variant in the population databases is considered unreliable, as metrics indicate poor data quality at this position in the gnomAD database. This variant has not been reported in the literature in individuals affected with KIF23-related conditions. ClinVar contains an entry for this variant (Variation ID: 2066160). An algorithm developed to predict the effect of missense changes on protein structure and function (PolyPhen-2) suggests that this variant is likely to be tolerated. In summary, the available evidence is currently insufficient to determine the role of this variant in disease. Therefore, it has been classified as a Variant of Uncertain Significance.

PreventionGenetics, part of Exact Sciences
Classification: Uncertain significance for KIF23-related condition. Last evaluated: 2024-05-06. Review status: no assertion criteria provided. Collection method: clinical testing. Allele origin: germline. Not counted in ClinVar's aggregate classification.
Comment: The KIF23 c.59C>T variant is predicted to result in the amino acid substitution p.Thr20Met. To our knowledge, this variant has not been reported in the literature. This variant is reported in 0.0043% of alleles in individuals of Latino descent in gnomAD. At this time, the clinical significance of this variant is uncertain due to the absence of conclusive functional and genetic evidence.

NM_001367805.3(KIF23):c.59C>T (p.Thr20Met)

Gene: KIF23 (kinesin family member 23; plus strand). Cytogenetic location: 15q23.
Variant type: single nucleotide variant.
Coding change: c.59C>T on transcript NM_001367805.3 (MANE Select); coding-DNA position 59, C replaced by T.
Protein change: p.Thr20Met; replaces threonine 20 with methionine.
Molecular consequence: missense variant. On other transcripts: 5 prime UTR variant (1), non-coding transcript variant (2).
Genome position (GRCh38, 1-based): chr15:69,416,041, C>T. VCF-style: chr15-69416041-C-T. GRCh37 (hg19) VCF-style: chr15-69708380-C-T.
Other names: c.59C>T (NM_138555.3); c.-135C>T (NM_001281301.2); c.59C>T, p.Thr20Met (NM_001367804.2, NM_004856.7, NM_138555.4); short protein forms T20M.
Identifiers: ClinVar variation 2066160 (VCV002066160.5), dbSNP rs758710646, ClinGen allele CA7634782.